The following is an entry in ClinVar:

ClinVar aggregate classification (germline): Benign/Likely benign. Review status: criteria provided, multiple submitters, no conflicts (2 of 4 stars). 6 submissions from 6 submitters: Benign (2); Likely benign (4). Last evaluated 2026-01-25.

Conditions:
Long QT syndrome (LQTS). Identifiers: MedGen C0023976, MeSH D008133, MONDO:0002442. Disease mechanism: loss of function. Inheritance: Various modes of inheritance.
Cardiovascular phenotype. Identifiers: MedGen CN230736.

Allele frequency attached by ClinVar (database versions not stated): TOPMed 0.00013; gnomAD 0.00014 and 0.00015; 1000 Genomes Project 30x 0.00016; gnomAD exomes 0.00019 and 0.00022; 1000 Genomes Project 0.00020; ExAC 0.00026.
gnomAD v4.1: 302 of 1,614,036 alleles (0.019%); highest among the groups gnomAD compares: East Asian, 0.12%; no homozygotes.

Submissions (6):

Labcorp Genetics (formerly Invitae), Labcorp
Classification: Benign for Long QT syndrome. Last evaluated: 2026-01-25. Review status: criteria provided, single submitter. Criteria: Invitae Variant Classification Sherloc (09022015). Collection method: clinical testing. Allele origin: germline.

Blueprint Genetics
Classification: Likely benign. Last evaluated: 2024-11-14. Review status: criteria provided, single submitter. Criteria: ACMG Guidelines, 2015. Collection method: clinical testing. Allele origin: germline.

CeGaT Center for Human Genetics Tuebingen
Classification: Likely benign. Last evaluated: 2024-08-01. Review status: criteria provided, single submitter. Criteria: CeGaT Center For Human Genetics Tuebingen Variant Classification Criteria Version 2. Collection method: clinical testing. Allele origin: germline. Affected: yes. Observed: 1 variant allele.
Comment: CACNA1C: BP4, BP7, BS1

ARUP Laboratories, Molecular Genetics and Genomics, ARUP Laboratories
Classification: Likely benign. Last evaluated: 2020-01-31. Review status: criteria provided, single submitter. Criteria: ARUP Molecular Germline Variant Investigation Process. Collection method: clinical testing. Allele origin: germline.

Ambry Genetics
Classification: Likely benign for Cardiovascular phenotype. Last evaluated: 2017-12-28. Review status: criteria provided, single submitter. Criteria: Ambry Variant Classification Scheme 2023. Collection method: clinical testing. Allele origin: germline.

GeneDx
Classification: Benign. Last evaluated: 2015-03-03. Review status: criteria provided, single submitter. Criteria: GeneDx Variant Classification Process June 2021. Collection method: clinical testing. Allele origin: germline. Affected: yes.

NM_000719.7(CACNA1C):c.1002C>T (p.Pro334=)

Gene: CACNA1C (calcium voltage-gated channel subunit alpha1 C; plus strand). Cytogenetic location: 12p13.33.
Variant type: single nucleotide variant.
Coding change: c.1002C>T on transcript NM_000719.7 (MANE Select); coding-DNA position 1002, C replaced by T.
Protein change: p.Pro334=; no amino-acid change (proline 334 retained).
Molecular consequence: synonymous variant.
Genome position (GRCh38, 1-based): chr12:2,493,275, C>T. VCF-style: chr12-2493275-C-T. GRCh37 (hg19) VCF-style: chr12-2602441-C-T.
Other names: c.1002C>T, p.Pro334= (NM_001129827.2, NM_001129829.2, NM_001129830.3 and 18 more transcripts); c.993C>T, p.Pro331= (NM_001129844.2).
Identifiers: ClinVar variation 308132 (VCV000308132.40), dbSNP rs112002520, ClinGen allele CA6388591.